The following is an entry in ClinVar:

ClinVar aggregate classification (germline): Pathogenic/Likely pathogenic. Review status: criteria provided, multiple submitters, no conflicts (2 of 4 stars). 2 submissions from 2 submitters: Pathogenic (1); Likely pathogenic (1). Last evaluated 2026-09-08.

Conditions:
Familial adenomatous polyposis 1 (FAP1). Also called: FAMILIAL ADENOMATOUS POLYPOSIS 1, ATTENUATED; POLYPOSIS, ADENOMATOUS INTESTINAL. Identifiers: MedGen C2713442, MONDO:0021056, OMIM 175100. Disease mechanism: loss of function.
Hereditary cancer-predisposing syndrome. Also called: Hereditary neoplastic syndrome; Hereditary Cancer Syndrome; Neoplastic Syndromes, Hereditary; Tumor predisposition. Identifiers: Orphanet 140162, MedGen C0027672, MeSH D009386, MONDO:0015356.

Submissions (2):

Ambry Genetics
Classification: Likely pathogenic for Hereditary cancer-predisposing syndrome. Last evaluated: 2026-09-08. Review status: criteria provided, single submitter. Criteria: Ambry Variant Classification Scheme 2023. Collection method: clinical testing. Allele origin: germline.
Comment: The c.2945delC variant, located in coding exon 15 of the APC gene, results from a deletion of one nucleotide at nucleotide position 2945, causing a translational frameshift with a predicted alternate stop codon (p.S982*). This variant occurs at the 3' terminus of the gene, is not expected to trigger nonsense-mediated mRNA decay, and impacts the last 65% of the protein. However, premature stop codons are typically deleterious in nature and the impacted region is critical for protein function (Ambry internal data). This variant is considered to be rare based on population cohorts in the Genome Aggregation Database (gnomAD). Based on the majority of available evidence to date, this variant is likely to be pathogenic.

Myriad Genetics, Inc.
Classification: Pathogenic for Familial adenomatous polyposis 1. Last evaluated: 2023-05-05. Review status: criteria provided, single submitter. Criteria: Myriad Autosomal Dominant, Autosomal Recessive and X-Linked Classification Criteria (2023). Collection method: clinical testing. Allele origin: unknown.
Comment: This variant is considered pathogenic. This variant creates a termination codon and is predicted to result in premature protein truncation.

NM_000038.6(APC):c.2945del (p.Pro981_Ser982insTer)

Gene: APC (APC regulator of Wnt signaling pathway; plus strand). Cytogenetic location: 5q22.2.
Variant type: Deletion.
Coding change: c.2945del on transcript NM_000038.6 (MANE Select); coding-DNA position 2945, one base deleted (C; older notation c.2945delC).
Protein change: p.Pro981_Ser982insTer.
Molecular consequence: nonsense. On other transcripts: non-coding transcript variant (2).
Genome position (GRCh38, 1-based): chr5:112,838,539, C deleted. VCF-style (leftmost placement, unchanged base first): chr5-112838538-TC-T. GRCh37 (hg19) VCF-style: chr5-112174235-TC-T.
Other names: c.2945del, p.Pro981_Ser982insTer (NM_001127510.3, NM_001354895.2, NM_001407450.1); c.2891del, p.Pro963_Ser964insTer (NM_001127511.3); c.2999del, p.Pro999_Ser1000insTer (NM_001354896.2, NM_001407447.1, NM_001407448.1 and 1 more transcripts); c.2975del, p.Pro991_Ser992insTer (NM_001354897.2); c.2870del, p.Pro956_Ser957insTer (NM_001354898.2); c.2861del, p.Pro953_Ser954insTer (NM_001354899.2); c.2822del, p.Pro940_Ser941insTer (NM_001354900.2); c.2768del, p.Pro922_Ser923insTer (NM_001354901.2, NM_001407453.1); and 12 more.
Identifiers: ClinVar variation 2584125 (VCV002584125.2), dbSNP rs2533461080, ClinGen allele CA2582341464.